The following is an entry in ClinVar:

ClinVar aggregate classification (germline): Uncertain significance (1 of 4 stars; one submission).

Conditions:
Alstrom syndrome (ALMS). Identifiers: Orphanet 64, MedGen C0268425, MONDO:0008763, OMIM 203800.

Submission:

Labcorp Genetics (formerly Invitae), Labcorp
Classification: Uncertain significance for Alstrom syndrome. Last evaluated: 2023-12-06. Review status: criteria provided, single submitter. Criteria: Invitae Variant Classification Sherloc (09022015). Collection method: clinical testing. Allele origin: germline.
Comment: This sequence change replaces asparagine, which is neutral and polar, with isoleucine, which is neutral and non-polar, at codon 3872 of the ALMS1 protein (p.Asn3872Ile). This variant is not present in population databases (gnomAD no frequency). This variant has not been reported in the literature in individuals affected with ALMS1-related conditions. ClinVar contains an entry for this variant (Variation ID: 1974435). Experimental studies and prediction algorithms are not available or were not evaluated, and the functional significance of this variant is currently unknown. In summary, the available evidence is currently insufficient to determine the role of this variant in disease. Therefore, it has been classified as a Variant of Uncertain Significance.

NM_001378454.1(ALMS1):c.11612A>T (p.Asn3871Ile)

Gene: ALMS1 (ALMS1 centrosome and basal body associated protein; plus strand). Cytogenetic location: 2p13.1.
Variant type: single nucleotide variant.
Coding change: c.11612A>T on transcript NM_001378454.1 (MANE Select); coding-DNA position 11612, A replaced by T.
Protein change: p.Asn3871Ile; replaces asparagine 3871 with isoleucine.
Molecular consequence: missense variant.
Genome position (GRCh38, 1-based): chr2:73,599,465, A>T. VCF-style: chr2-73599465-A-T. GRCh37 (hg19) VCF-style: chr2-73826592-A-T.
Other names: c.11615A>T, p.Asn3872Ile (NM_015120.4); short protein forms N3872I, N3871I.
Identifiers: ClinVar variation 1974435 (VCV001974435.5), dbSNP rs2466516286, ClinGen allele CA347262908.
Genomic context (GRCh38, chr2:73,599,465, plus strand): 5'-CAAACCATGTGATTTCTTCTGACTCTATTTCCTCTTCTGCCAGTAGTTTCCTGAGCTCAA[A>T]CTCTACTTTTTGCAACAAGCAGAATGTACACATGTTAAACAAGGGCATACAAGCAGGTAA-3'
Protein context (NP_001365383.1, residues 3861-3881): SSSASSFLSS[Asn3871Ile]STFCNKQNVH